The following is an entry in ClinVar:

ClinVar aggregate classification (germline): Uncertain significance (1 of 4 stars; one submission).

Allele frequency attached by ClinVar (database versions not stated): gnomAD exomes below 0.00001.
gnomAD v4.1: 1 of 1,561,518 alleles (0.000064%); highest among the groups gnomAD compares: African/African-American, 0.0014%; no homozygotes.

Submission:

Ambry Genetics
Classification: Uncertain significance. Last evaluated: 2023-12-15. Review status: criteria provided, single submitter. Criteria: Ambry Variant Classification Scheme 2023. Collection method: clinical testing. Allele origin: germline.
Comment: The p.E168Q variant (also known as c.502G>C) is located in coding exon 5 of the RECQL gene. The glutamic acid at codon 168 is replaced by glutamine, an amino acid with highly similar properties. This amino acid position is highly conserved in available vertebrate species. In addition, the in silico prediction for this alteration is inconclusive. The evidence for this gene-disease relationship is limited; therefore, the clinical significance of this alteration is unclear.

NM_002907.4(RECQL):c.502G>C (p.Glu168Gln)

Gene: RECQL (RecQ like helicase; minus strand). Cytogenetic location: 12p12.1.
Variant type: single nucleotide variant.
Coding change: c.502G>C on transcript NM_002907.4 (MANE Select); coding-DNA position 502, G replaced by C.
Protein change: p.Glu168Gln; replaces glutamic acid 168 with glutamine.
Molecular consequence: missense variant.
Genome position (GRCh38, 1-based): chr12:21,483,574, C>G on the plus strand (G>C on the coding strand, the complement: RECQL is on the minus strand). VCF-style: chr12-21483574-C-G. GRCh37 (hg19) VCF-style: chr12-21636508-C-G.
Other names: c.502G>C, p.Glu168Gln (NM_032941.3); short protein forms E168Q.
Identifiers: ClinVar variation 3222974 (VCV003222974.1), dbSNP rs1291025783, ClinGen allele CA384128281.